The following is an entry in ClinVar:

ClinVar aggregate classification (germline): Uncertain significance (1 of 4 stars; one submission).

Submission:

GeneDx
Classification: Uncertain significance. Last evaluated: 2025-06-25. Review status: criteria provided, single submitter. Criteria: GeneDx Variant Classification Process June 2021. Collection method: clinical testing. Allele origin: germline. Affected: yes.
Comment: Not observed at significant frequency in large population cohorts (gnomAD); In silico analysis suggests that this variant does not alter protein structure/function; Has not been previously published as pathogenic or benign to our knowledge

NM_000061.3(BTK):c.622_623delinsAT (p.Ala208Ile)

Gene: BTK (Bruton tyrosine kinase; minus strand). Cytogenetic location: Xq22.1.
Variant type: Indel.
Coding change: c.622_623delinsAT on transcript NM_000061.3 (MANE Select); coding-DNA positions 622 to 623, GC replaced by AT.
Protein change: p.Ala208Ile; replaces alanine 208 with isoleucine.
Molecular consequence: missense variant.
Genome position (GRCh38, 1-based): chrX:101,360,721-101,360,722, GC replaced by AT on the plus strand (GC replaced by AT on the coding strand, the reverse complement: BTK is on the minus strand). VCF-style: chrX-101360721-GC-AT. GRCh37 (hg19) VCF-style: chrX-100615709-GC-AT.
Other names: c.622_623delGCinsAT, p.Ala208Ile (NM_000061.2); c.724_725delinsAT, p.Ala242Ile (NM_001287344.2); c.622_623delinsAT, p.Ala208Ile (NM_001287345.2); short protein forms A208I, A242I.
Identifiers: ClinVar variation 4540347 (VCV004540347.1).
Genomic context (GRCh38, chrX:101,360,721, plus strand): 5'-ATTGGCATGTAATCATAAAGGGCCACAACCTTTTTCAGCTCACTTGTGGAGACTGGTGCT[GC>AT]TGCTGGCTCAGGCGGTAGTGGCTTTTTCAAGATCTATGTAGTTAGGAGAAAAGGTAGGAG-3'
Protein context (NP_000052.1, residues 198-218): LKKPLPPEPA[Ala208Ile]APVSTSELKK